The following is an entry in ClinVar:

ClinVar aggregate classification (germline): Uncertain significance. Review status: criteria provided, single submitter (1 of 4 stars). 3 submissions from 3 submitters: Uncertain significance (1). 2 of the submissions do not count toward it. Last evaluated 2026-04-15.

Conditions:
PLEC-related disorder. Also called: PLEC-related condition; PLEC-related disorders.

Allele frequency attached by ClinVar (database versions not stated): gnomAD exomes 0.00004 and 0.00008; ExAC 0.00008; 1000 Genomes Project 30x 0.00016; 1000 Genomes Project 0.00020; TOPMed 0.00029; gnomAD 0.00031 and 0.00034; ESP Exome Variant Server 0.00040.
gnomAD v4.1: 105 of 1,612,644 alleles (0.0065%); highest among the groups gnomAD compares: African/African-American, 0.089%; no homozygotes.

Submissions (3):

PreventionGenetics, part of Exact Sciences
Classification: Uncertain significance for PLEC-related condition. Last evaluated: 2026-04-15. Review status: criteria provided, single submitter. Criteria: ACMG Guidelines, 2015. Collection method: clinical testing. Allele origin: germline.
Comment: The PLEC c.47G>A variant is predicted to result in the amino acid substitution p.Arg16Gln. In the canonical transcript NM_000445.4 this variant is deep intronic (c.194-723G>A), but in an alternate transcript (NM_201384.2) is described as c.47G>A (p.Arg16Gln). To our knowledge, this variant has not been reported in the literature. This variant is reported in 0.059% of alleles in individuals of African descent in gnomAD. Although we suspect that this variant may be benign, at this time, the clinical significance of this variant is uncertain due to the absence of conclusive functional and genetic evidence.

Clinical Genetics DNA and cytogenetics Diagnostics Lab, Erasmus MC, Erasmus Medical Center
Classification: Likely benign. Review status: no assertion criteria provided. Collection method: clinical testing. Allele origin: germline. Affected: yes. Study: VKGL Data-share Consensus. Not counted in ClinVar's aggregate classification.

Laboratory of Diagnostic Genome Analysis, Leiden University Medical Center (LUMC)
Classification: Likely benign. Review status: no assertion criteria provided. Collection method: clinical testing. Allele origin: germline. Affected: yes. Study: VKGL Data-share Consensus. Not counted in ClinVar's aggregate classification.

NM_201384.3(PLEC):c.47G>A (p.Arg16Gln)

Genes: PLEC (plectin; minus strand), LOC130001338 (ATAC-STARR-seq lymphoblastoid active region 28078; plus strand). Cytogenetic location: 8q24.3.
Variant type: single nucleotide variant.
Coding change: c.47G>A on transcript NM_201384.3 (MANE Select); coding-DNA position 47, G replaced by A.
Protein change: p.Arg16Gln; replaces arginine 16 with glutamine.
Molecular consequence: missense variant. On other transcripts: intron variant (7).
Genome position (GRCh38, 1-based): chr8:143,939,415, C>T on the plus strand (G>A on the coding strand, the complement: PLEC is on the minus strand). VCF-style: chr8-143939415-C-T. GRCh37 (hg19) VCF-style: chr8-145013583-C-T.
Other names: c.194-723G>A (NM_000445.5); c.71-723G>A (NM_201378.4); c.47-723G>A (NM_201379.3); c.524-723G>A (NM_201380.4); c.17-723G>A (NM_201381.3); c.113-723G>A (NM_201382.4); c.125-723G>A (NM_201383.3); c.47G>A (NM_201384.2); short protein forms R16Q.
Identifiers: ClinVar variation 1328261 (VCV001328261.4), dbSNP rs202012068, ClinGen allele CA4928678.